The following is an entry in ClinVar:

NM_000702.4(ATP1A2):c.1263A>G (p.Arg421=)

Gene: ATP1A2 (ATPase Na+/K+ transporting subunit alpha 2; plus strand). Cytogenetic location: 1q23.2.
Variant type: single nucleotide variant.
Coding change: c.1263A>G on transcript NM_000702.4 (MANE Select); coding-DNA position 1263, A replaced by G.
Protein change: p.Arg421=; no amino-acid change (arginine 421 retained).
Molecular consequence: synonymous variant.
Genome position (GRCh38, 1-based): chr1:160,129,026, A>G. VCF-style: chr1-160129026-A-G. GRCh37 (hg19) VCF-style: chr1-160098816-A-G.
Identifiers: ClinVar variation 390014 (VCV000390014.1), dbSNP rs1057523616, ClinGen allele CA16603490.

ClinVar aggregate classification (germline): Likely benign (1 of 4 stars; one submission).

Allele frequency attached by ClinVar (database versions not stated): gnomAD exomes below 0.00001.
gnomAD v4.1: 3 of 1,611,676 alleles (0.00019%); highest among the groups gnomAD compares: Non-Finnish European, 0.00017%; no homozygotes.

Submission:

GeneDx
Classification: Likely benign. Last evaluated: 2016-10-18. Review status: criteria provided, single submitter. Criteria: GeneDx Variant Classification (06012015). Collection method: clinical testing. Allele origin: germline. Affected: yes.
Comment: This variant is considered likely benign or benign based on one or more of the following criteria: it is a conservative change, it occurs at a poorly conserved position in the protein, it is predicted to be benign by multiple in silico algorithms, and/or has population frequency not consistent with disease.